The following is an entry in ClinVar:

NM_024077.5(SECISBP2):c.1512G>A (p.Pro504=)

Gene: SECISBP2 (SECIS binding protein 2; plus strand). Cytogenetic location: 9q22.2.
Variant type: single nucleotide variant.
Coding change: c.1512G>A on transcript NM_024077.5 (MANE Select); coding-DNA position 1512, G replaced by A.
Protein change: p.Pro504=; no amino-acid change (proline 504 retained).
Molecular consequence: synonymous variant.
Genome position (GRCh38, 1-based): chr9:89,346,958, G>A. VCF-style: chr9-89346958-G-A. GRCh37 (hg19) VCF-style: chr9-91961873-G-A.
Other names: c.1509G>A, p.Pro503= (NM_001282688.2); c.1293G>A, p.Pro431= (NM_001282689.2); c.1308G>A, p.Pro436= (NM_001282690.1); c.1395G>A, p.Pro465= (NM_001354696.2); c.1398G>A, p.Pro466= (NM_001354697.2); c.1305G>A, p.Pro435= (NM_001354698.2); c.627G>A, p.Pro209= (NM_001354702.2).
Identifiers: ClinVar variation 3035815 (VCV003035815.2), dbSNP rs186724343, ClinGen allele CA5117466.

ClinVar aggregate classification (germline): Likely benign (0 of 4 stars; one submission).

Conditions:
SECISBP2-related disorder. Also called: SECISBP2-related condition.

Allele frequency attached by ClinVar (database versions not stated): gnomAD exomes 0.00007; gnomAD 0.00014; ExAC 0.00016; TOPMed 0.00016; 1000 Genomes Project 0.00060; 1000 Genomes Project 30x 0.00062.
gnomAD v4.1: 122 of 1,614,110 alleles (0.0076%); highest among the groups gnomAD compares: East Asian, 0.18%; no homozygotes.

Submission:

PreventionGenetics, part of Exact Sciences
Classification: Likely benign for SECISBP2-related condition. Last evaluated: 2019-07-30. Review status: no assertion criteria provided. Collection method: clinical testing. Allele origin: germline.
Comment: This variant is classified as likely benign based on ACMG/AMP sequence variant interpretation guidelines (Richards et al. 2015 PMID: 25741868, with internal and published modifications).